The following is an entry in ClinVar:

NM_152701.5(ABCA13):c.4836C>T (p.Leu1612=)

Gene: ABCA13 (ATP binding cassette subfamily A member 13; plus strand). Cytogenetic location: 7p12.3.
Variant type: single nucleotide variant.
Coding change: c.4836C>T on transcript NM_152701.5 (MANE Select); coding-DNA position 4836, C replaced by T.
Protein change: p.Leu1612=; no amino-acid change (leucine 1612 retained).
Molecular consequence: synonymous variant.
Genome position (GRCh38, 1-based): chr7:48,274,502, C>T. VCF-style: chr7-48274502-C-T. GRCh37 (hg19) VCF-style: chr7-48314099-C-T.
Identifiers: ClinVar variation 2657472 (VCV002657472.24), dbSNP rs1796035441, ClinGen allele CA455157978.

ClinVar aggregate classification (germline): Likely benign (1 of 4 stars; one submission).

gnomAD v4.1: 5 of 1,613,790 alleles (0.00031%); highest among the groups gnomAD compares: Middle Eastern, 0.016%; no homozygotes.

Submission:

CeGaT Center for Human Genetics Tuebingen
Classification: Likely benign. Last evaluated: 2022-05-01. Review status: criteria provided, single submitter. Criteria: CeGaT Center For Human Genetics Tuebingen Variant Classification Criteria Version 2. Collection method: clinical testing. Allele origin: germline. Affected: yes. Observed: 1 variant allele.
Comment: ABCA13: PM2:Supporting, BP4, BP7